The following is an entry in ClinVar:

ClinVar aggregate classification (germline): Uncertain significance. Review status: criteria provided, multiple submitters, no conflicts (2 of 4 stars). 3 submissions from 3 submitters: Uncertain significance (3). Last evaluated 2025-02-15.

Conditions:
Neuropathy, hereditary sensory and autonomic, type 1C. Also called: HSAN IC; HSN IC. Identifiers: Orphanet 36386, MedGen C3150896, MONDO:0013337, OMIM 613640.
Inborn genetic diseases. Identifiers: MedGen C0950123, MeSH D030342.

Submissions (3):

Ambry Genetics
Classification: Uncertain significance for Inborn genetic diseases. Last evaluated: 2025-02-15. Review status: criteria provided, single submitter. Criteria: Ambry Variant Classification Scheme 2023. Collection method: clinical testing. Allele origin: germline.

Labcorp Genetics (formerly Invitae), Labcorp
Classification: Uncertain significance for Neuropathy, hereditary sensory and autonomic, type 1C. Last evaluated: 2022-01-01. Review status: criteria provided, single submitter. Criteria: Invitae Variant Classification Sherloc (09022015). Collection method: clinical testing. Allele origin: germline.
Comment: In summary, the available evidence is currently insufficient to determine the role of this variant in disease. Therefore, it has been classified as a Variant of Uncertain Significance. Algorithms developed to predict the effect of missense changes on protein structure and function (SIFT, PolyPhen-2, Align-GVGD) all suggest that this variant is likely to be tolerated. ClinVar contains an entry for this variant (Variation ID: 993751). This variant has not been reported in the literature in individuals affected with SPTLC2-related conditions. This variant is not present in population databases (gnomAD no frequency). This sequence change replaces alanine, which is neutral and non-polar, with threonine, which is neutral and polar, at codon 515 of the SPTLC2 protein (p.Ala515Thr).

ARUP Laboratories, Molecular Genetics and Genomics, ARUP Laboratories
Classification: Uncertain significance for Neuropathy, hereditary sensory and autonomic, type 1C. Last evaluated: 2019-09-05. Review status: criteria provided, single submitter. Criteria: ARUP Molecular Germline Variant Investigation Process. Collection method: clinical testing. Allele origin: germline.
Comment: The SPTLC2 c.1543G>A; p.Ala515Thr variant, to our knowledge, is not reported in the medical literature or gene specific databases. This variant is absent from general population databases (Exome Variant Server, Genome Aggregation Database), indicating it is not a common polymorphism. The alanine at codon 515 is weakly conserved, but computational analyses (SIFT: deleterious PolyPhen-2: benign) predict conflicting effects of this variant on protein structure/function. Due to limited information, the clinical significance of the p.Ala515Thr variant is uncertain at this time.

NM_004863.4(SPTLC2):c.1543G>A (p.Ala515Thr)

Gene: SPTLC2 (serine palmitoyltransferase long chain base subunit 2; minus strand). Cytogenetic location: 14q24.3.
Variant type: single nucleotide variant.
Coding change: c.1543G>A on transcript NM_004863.4 (MANE Select); coding-DNA position 1543, G replaced by A.
Protein change: p.Ala515Thr; replaces alanine 515 with threonine.
Molecular consequence: missense variant.
Genome position (GRCh38, 1-based): chr14:77,518,064, C>T on the plus strand (G>A on the coding strand, the complement: SPTLC2 is on the minus strand). VCF-style: chr14-77518064-C-T. GRCh37 (hg19) VCF-style: chr14-77984407-C-T.
Other names: c.1543G>A (NM_004863.3); short protein forms A515T.
Identifiers: ClinVar variation 993751 (VCV000993751.13), dbSNP rs2079367502, ClinGen allele CA390699819.
Genomic context (GRCh38, chr14:77,518,064, plus strand): 5'-GCATATTTATATCAAGGTGAAAGTGCCTACTTACAGTATCAAGTATTTCTTTGGTATGAG[C>T]TGCTGACAGGCAAAACCTGGCTCTGGACTCAATAATTGGGGTGGCAGGAAATCCAACCAC-3'
Protein context (NP_004854.1, residues 505-525): ESRARFCLSA[Ala515Thr]HTKEILDTAL